The following is an entry in ClinVar:

ClinVar aggregate classification (germline): Pathogenic (1 of 4 stars; one submission).

Conditions:
Complement component 3 deficiency. Identifiers: Orphanet 280133, MedGen C3151071, MONDO:0013417, OMIM 613779.

Submission:

Genomenon, Inc
Classification: Pathogenic for Complement component 3 deficiency. Last evaluated: 2025-09-30. Review status: criteria provided, single submitter. Criteria: Genomenon Sequence Variant Interpretation Standards. Collection method: curation. Allele origin: germline. Affected: yes.
Comment: C3 p.Arg1060GlnfsTer46 (c.3116dup) is a frameshift variant that results in the production of a truncated protein which is predicted to undergo nonsense-mediated mRNA decay. This variant has been observed in at least one proband affected with C3 deficiency (PMID:18201916). It is absent or not present at a significant frequency in gnomAD. In conclusion, we classify C3 p.Arg1060GlnfsTer46 (c.3116dup) as a pathogenic variant.

Literature cited by the submitters: PubMed 18201916.

NM_000064.4(C3):c.3116dup (p.Glu1040fs)

Gene: C3 (complement C3; minus strand). Cytogenetic location: 19p13.3.
Variant type: Duplication.
Coding change: c.3116dup on transcript NM_000064.4 (MANE Select); coding-DNA position 3116, one base duplicated (T; older notation c.3116dupT).
Protein change: p.Glu1040fs; shifts the reading frame from glutamic acid 1040.
Molecular consequence: frameshift variant.
Genome position (GRCh38, 1-based): chr19:6,694,469, A duplicated on the plus strand (T on the coding strand, the reverse complement: C3 is on the minus strand). VCF-style (leftmost placement, unchanged base first): chr19-6694468-T-TA. GRCh37 (hg19) VCF-style: chr19-6694479-T-TA.
Other names: short protein forms E1040fs.
Identifiers: ClinVar variation 4280175 (VCV004280175.1).
Genomic context (GRCh38, chr19:6,694,468, plus strand): 5'-TCCAAGAGGGGCAGGGAGCCCACCCTTCTTGATGAGCTCCAAGGCCCCCTGCCGCTTCTC[T>TA]AGGCCGAACTTCTCCCACTGCTCCGTTTCATCCAGGTAATGCACAGCGATGACCGTGGGC-3'